The following is an entry in ClinVar:

NM_001080449.3(DNA2):c.2219C>G (p.Ala740Gly)

Gene: DNA2 (DNA replication helicase/nuclease 2; minus strand). Cytogenetic location: 10q21.3.
Variant type: single nucleotide variant.
Coding change: c.2219C>G on transcript NM_001080449.3 (MANE Select); coding-DNA position 2219, C replaced by G.
Protein change: p.Ala740Gly; replaces alanine 740 with glycine.
Molecular consequence: missense variant. On other transcripts: non-coding transcript variant (1).
Genome position (GRCh38, 1-based): chr10:68,422,880, G>C on the plus strand (C>G on the coding strand, the complement: DNA2 is on the minus strand). VCF-style: chr10-68422880-G-C. GRCh37 (hg19) VCF-style: chr10-70182637-G-C.
Other names: short protein forms A740G.
Identifiers: ClinVar variation 1030090 (VCV001030090.1), dbSNP rs2051684928, ClinGen allele CA376849884.

ClinVar aggregate classification (germline): Uncertain significance (1 of 4 stars; one submission).

Conditions:
Mitochondrial DNA deletion syndrome with progressive myopathy. Also called: Progressive external ophthalmoplegia with mitochondrial DNA deletions, autosomal dominant 6; PROGRESSIVE EXTERNAL OPHTHALMOPLEGIA, AUTOSOMAL DOMINANT 6. Identifiers: Orphanet 352470, MedGen C3554599, MONDO:0014062, OMIM 615156.

Submission:

Baylor Genetics
Classification: Uncertain significance for Mitochondrial DNA deletion syndrome with progressive myopathy. Last evaluated: 2019-06-13. Review status: criteria provided, single submitter. Criteria: ACMG Guidelines, 2015. Collection method: clinical testing. Allele origin: paternal. Affected: yes.
Comment: This variant was determined to be of uncertain significance according to ACMG Guidelines, 2015 [PMID:25741868].